The following is an entry in ClinVar:

NM_001012720.2(RGR):c.809A>G (p.Glu270Gly)

Gene: RGR (retinal G protein coupled receptor; plus strand). Cytogenetic location: 10q23.1.
Variant type: single nucleotide variant.
Coding change: c.809A>G on transcript NM_001012720.2 (MANE Select); coding-DNA position 809, A replaced by G.
Protein change: p.Glu270Gly; replaces glutamic acid 270 with glycine.
Molecular consequence: missense variant.
Genome position (GRCh38, 1-based): chr10:84,258,572, A>G. VCF-style: chr10-84258572-A-G. GRCh37 (hg19) VCF-style: chr10-86018328-A-G.
Other names: c.809A>G (NM_001012720.1); c.695A>G, p.Glu232Gly (NM_001012722.2); c.821A>G, p.Glu274Gly (NM_002921.4); short protein forms E270G, E274G, E232G.
Identifiers: ClinVar variation 2723456 (VCV002723456.5), dbSNP rs766417320, ClinGen allele CA5581594.

ClinVar aggregate classification (germline): Uncertain significance. Review status: criteria provided, multiple submitters, no conflicts (2 of 4 stars). 3 submissions from 3 submitters: Uncertain significance (3). Last evaluated 2024-11-25.

Allele frequency attached by ClinVar (database versions not stated): gnomAD exomes below 0.00001; ExAC 0.00001; gnomAD 0.00003; TOPMed 0.00006.

Submissions (3):

Ambry Genetics
Classification: Uncertain significance. Last evaluated: 2024-11-25. Review status: criteria provided, single submitter. Criteria: Ambry Variant Classification Scheme 2023. Collection method: clinical testing. Allele origin: germline.

Labcorp Genetics (formerly Invitae), Labcorp
Classification: Uncertain significance. Last evaluated: 2023-01-08. Review status: criteria provided, single submitter. Criteria: Invitae Variant Classification Sherloc (09022015). Collection method: clinical testing. Allele origin: germline.
Comment: This sequence change replaces glutamic acid, which is acidic and polar, with glycine, which is neutral and non-polar, at codon 270 of the RGR protein (p.Glu270Gly). This variant is present in population databases (rs766417320, gnomAD 0.01%). This variant has not been reported in the literature in individuals affected with RGR-related conditions. Algorithms developed to predict the effect of missense changes on protein structure and function are either unavailable or do not agree on the potential impact of this missense change (SIFT: "Deleterious"; PolyPhen-2: "Not Available"; Align-GVGD: "Class C0"). In summary, the available evidence is currently insufficient to determine the role of this variant in disease. Therefore, it has been classified as a Variant of Uncertain Significance.

Blueprint Genetics
Classification: Uncertain significance. Last evaluated: 2022-09-09. Review status: criteria provided, single submitter. Criteria: ACMG Guidelines, 2015. Collection method: clinical testing. Allele origin: germline.